The following is an entry in ClinVar:

NM_005002.5(NDUFA9):c.1062G>T (p.Arg354=)

Gene: NDUFA9 (NADH:ubiquinone oxidoreductase subunit A9; plus strand). Cytogenetic location: 12p13.32.
Variant type: single nucleotide variant.
Coding change: c.1062G>T on transcript NM_005002.5 (MANE Select); coding-DNA position 1062, G replaced by T.
Protein change: p.Arg354=; no amino-acid change (arginine 354 retained).
Molecular consequence: synonymous variant.
Genome position (GRCh38, 1-based): chr12:4,687,036, G>T. VCF-style: chr12-4687036-G-T. GRCh37 (hg19) VCF-style: chr12-4796202-G-T.
Identifiers: ClinVar variation 507140 (VCV000507140.9), dbSNP rs201530517, ClinGen allele CA6398370.

ClinVar aggregate classification (germline): Likely benign. Review status: criteria provided, multiple submitters, no conflicts (2 of 4 stars). 2 submissions from 2 submitters: Likely benign (2). Last evaluated 2022-03-20.

Allele frequency attached by ClinVar (database versions not stated): gnomAD 0.00016; 1000 Genomes Project 0.00020; ExAC 0.00002; gnomAD exomes 0.00003; TOPMed 0.00037; 1000 Genomes Project 30x 0.00016.
gnomAD v4.1: 43 of 1,614,186 alleles (0.0027%); highest among the groups gnomAD compares: Admixed American, 0.058%; no homozygotes.

Submissions (2):

Labcorp Genetics (formerly Invitae), Labcorp
Classification: Likely benign. Last evaluated: 2022-03-20. Review status: criteria provided, single submitter. Criteria: Invitae Variant Classification Sherloc (09022015). Collection method: clinical testing. Allele origin: germline.

GeneDx
Classification: Likely benign. Last evaluated: 2017-02-02. Review status: criteria provided, single submitter. Criteria: GeneDx Variant Classification (06012015). Collection method: clinical testing. Allele origin: germline. Affected: yes.
Comment: This variant is considered likely benign or benign based on one or more of the following criteria: it is a conservative change, it occurs at a poorly conserved position in the protein, it is predicted to be benign by multiple in silico algorithms, and/or has population frequency not consistent with disease.